The following is an entry in ClinVar:

NM_018127.7(ELAC2):c.1554G>A (p.Glu518=)

Gene: ELAC2 (elaC ribonuclease Z 2; minus strand). Cytogenetic location: 17p12.
Variant type: single nucleotide variant.
Coding change: c.1554G>A on transcript NM_018127.7 (MANE Select); coding-DNA position 1554, G replaced by A.
Protein change: p.Glu518=; no amino-acid change (glutamic acid 518 retained).
Molecular consequence: synonymous variant.
Genome position (GRCh38, 1-based): chr17:12,996,652, C>T on the plus strand (G>A on the coding strand, the complement: ELAC2 is on the minus strand). VCF-style: chr17-12996652-C-T. GRCh37 (hg19) VCF-style: chr17-12899969-C-T.
Other names: c.1434G>A, p.Glu478= (NM_001165962.2); c.1551G>A, p.Glu517= (NM_173717.2); c.1554G>A (NM_018127.6).
Identifiers: ClinVar variation 1501740 (VCV001501740.10), dbSNP rs377407616, ClinGen allele CA8401154.
Genomic context (GRCh38, chr17:12,996,652, plus strand): 5'-GGTGCCCAGGACCCTGTCCACCTGGTCTCCGTAATGACGGCACAGCTGCCCAAATGTGCC[C>T]TCACCACAGTCCAGTAGCAGAGACGTGTCGGGGCTGCAGAAGAGAAGAGGAAGAGAGTCA-3'
Protein context (NP_060597.4, residues 508-528): PDTSLLLDCG[Glu518=]GTFGQLCRHY

ClinVar aggregate classification (germline): Likely benign. Review status: criteria provided, single submitter (1 of 4 stars). 2 submissions from 2 submitters: Likely benign (1). 1 of the submissions does not count toward it. Last evaluated 2025-09-27.

Conditions:
ELAC2-related disorder. Also called: ELAC2-related condition.
Combined oxidative phosphorylation defect type 17. Also called: Combined oxidative phosphorylation deficiency 17. Identifiers: Orphanet 369913, MedGen C3809526, MONDO:0014190, OMIM 615440.

Allele frequency attached by ClinVar (database versions not stated): gnomAD 0.00004 and 0.00008; gnomAD exomes 0.00005 and 0.00008; ESP Exome Variant Server 0.00008; ExAC 0.00009.
gnomAD v4.1: 84 of 1,613,890 alleles (0.0052%); highest among the groups gnomAD compares: South Asian, 0.071%; no homozygotes.

Submissions (2):

Labcorp Genetics (formerly Invitae), Labcorp
Classification: Likely benign for Combined oxidative phosphorylation defect type 17. Last evaluated: 2025-09-27. Review status: criteria provided, single submitter. Criteria: Invitae Variant Classification Sherloc (09022015). Collection method: clinical testing. Allele origin: germline.

PreventionGenetics, part of Exact Sciences
Classification: Likely benign for ELAC2-related condition. Last evaluated: 2019-10-21. Review status: no assertion criteria provided. Collection method: clinical testing. Allele origin: germline. Not counted in ClinVar's aggregate classification.
Comment: This variant is classified as likely benign based on ACMG/AMP sequence variant interpretation guidelines (Richards et al. 2015 PMID: 25741868, with internal and published modifications).